The following is an entry in ClinVar:

ClinVar aggregate classification (germline): Likely pathogenic. Review status: criteria provided, single submitter (1 of 4 stars). 2 submissions from 2 submitters: Likely pathogenic (1). 1 of the submissions does not count toward it. Last evaluated 2025-04-10.

Conditions:
Developmental and epileptic encephalopathy 94 (DEE94). Also called: CHD2-Related Neurodevelopmental Disorders; Epileptic encephalopathy, childhood-onset. Identifiers: Orphanet 1942, Orphanet 2382, MedGen C3809278, MONDO:0014150, OMIM 615369.

Submissions (2):

Variantyx, Inc.
Classification: Likely pathogenic for Developmental and epileptic encephalopathy 94. Last evaluated: 2025-04-10. Review status: criteria provided, single submitter. Criteria: Variantyx Assertion Criteria 2022. Collection method: clinical testing. Allele origin: germline. Inheritance: Autosomal dominant inheritance. Affected: yes.
Comment: This is a nonsense variant in the CHD2 gene (OMIM: 602119). Pathogenic variants in this gene have been associated with autosomal dominant developmental and epileptic encephalopathy 94. This variant introduces a premature termination codon in exon 37 out of 39 and is expected to result in loss of function, which is a known disease mechanism for CHD2 in this disorder (PMID: 23708187, 24207121) (PVS1). This variant is absent from control populations (PM2). Based on the current evidence, this variant is classified as likely pathogenic for autosomal dominant developmental and epileptic encephalopathy 94.

Solve-RD Consortium
Classification: Likely pathogenic for Developmental and epileptic encephalopathy 94. Last evaluated: 2022-06-01. Review status: no assertion criteria provided. Collection method: provider interpretation. Allele origin: inherited. Affected: yes. Not counted in ClinVar's aggregate classification.
Comment: Variant confirmed as disease-causing by referring clinical team

Variant identified during reanalysis of unsolved cases by the Solve-RD project. The Solve-RD project has received funding from the European Union’s Horizon 2020 research and innovation programme under grant agreement No 779257.

Literature cited by the submitters: PubMed 23708187 (cited by Variantyx, Inc.); PubMed 24207121 (cited by Variantyx, Inc.); PubMed 39825153 (cited by Solve-RD Consortium).

NM_001271.4(CHD2):c.4780C>T (p.Gln1594Ter)

Gene: CHD2 (chromodomain helicase DNA binding protein 2; plus strand). Cytogenetic location: 15q26.1.
Variant type: single nucleotide variant.
Coding change: c.4780C>T on transcript NM_001271.4 (MANE Select); coding-DNA position 4780, C replaced by T.
Protein change: p.Gln1594Ter; replaces glutamine 1594 with a stop codon.
Molecular consequence: nonsense.
Genome position (GRCh38, 1-based): chr15:93,014,783, C>T. VCF-style: chr15-93014783-C-T. GRCh37 (hg19) VCF-style: chr15-93558013-C-T.
Other names: short protein forms Q1594*.
Identifiers: ClinVar variation 3256792 (VCV003256792.2).